The following is an entry in ClinVar:

ClinVar aggregate classification (germline): Benign/Likely benign. Review status: criteria provided, multiple submitters, no conflicts (2 of 4 stars). 6 submissions from 6 submitters: Benign (2); Likely benign (3). 1 of the submissions does not count toward it. Last evaluated 2026-01-28.

Conditions:
SLC6A8-related disorder. Also called: SLC6A8-related condition.
Creatine transporter deficiency (CCDS1). Also called: Creatine Transporter (CRTR) Deficiency; Mental retardation , X-linked with seizures, short stature and midface hypoplasia; Mental retardation , X-linked, with creatine transport deficiency; X-linked creatine transporter deficiency; X-linked creatine deficiency syndrome; SLC6A8-Related Creatine Transporter Deficiency. Identifiers: Orphanet 52503, MedGen C1845862, MONDO:0010305, OMIM 300352.

Allele frequency attached by ClinVar (database versions not stated): ExAC 0.00007; TOPMed 0.00009; gnomAD 0.00011 and 0.00013; gnomAD exomes 0.00012 and 0.00017.
gnomAD v4.1: 201 of 1,206,143 alleles (0.017%); highest among the groups gnomAD compares: Middle Eastern, 0.023%; no homozygotes.

Submissions (6):

Labcorp Genetics (formerly Invitae), Labcorp
Classification: Benign for Creatine transporter deficiency. Last evaluated: 2026-01-28. Review status: criteria provided, single submitter. Criteria: Invitae Variant Classification Sherloc (09022015). Collection method: clinical testing. Allele origin: germline.

Mayo Clinic Laboratories, Mayo Clinic
Classification: Benign. Last evaluated: 2025-08-19. Review status: criteria provided, single submitter. Criteria: ACMG Guidelines, 2015. Collection method: clinical testing. Allele origin: germline. Observed: 1 variant allele.
Comment: BA1

GeneDx
Classification: Likely benign. Last evaluated: 2019-11-08. Review status: criteria provided, single submitter. Criteria: GeneDx Variant Classification Process June 2021. Collection method: clinical testing. Allele origin: germline. Affected: yes.

CeGaT Center for Human Genetics Tuebingen
Classification: Likely benign. Last evaluated: 2018-10-01. Review status: criteria provided, single submitter. Criteria: CeGaT Center For Human Genetics Tuebingen Variant Classification Criteria Version 2. Collection method: clinical testing. Allele origin: germline. Affected: yes. Observed: 1 variant allele.

Genetic Services Laboratory, University of Chicago
Classification: Likely benign. Last evaluated: 2018-06-04. Review status: criteria provided, single submitter. Criteria: ACMG Guidelines, 2015. Collection method: clinical testing. Allele origin: germline. Affected: no.

PreventionGenetics, part of Exact Sciences
Classification: Likely benign for SLC6A8-related condition. Last evaluated: 2019-02-18. Review status: no assertion criteria provided. Collection method: clinical testing. Allele origin: germline. Not counted in ClinVar's aggregate classification.
Comment: This variant is classified as likely benign based on ACMG/AMP sequence variant interpretation guidelines (Richards et al. 2015 PMID: 25741868, with internal and published modifications).

NM_005629.4(SLC6A8):c.1473C>T (p.Cys491=)

Gene: SLC6A8 (solute carrier family 6 member 8; plus strand). Cytogenetic location: Xq28.
Variant type: single nucleotide variant.
Coding change: c.1473C>T on transcript NM_005629.4 (MANE Select); coding-DNA position 1473, C replaced by T.
Protein change: p.Cys491=; no amino-acid change (cysteine 491 retained).
Molecular consequence: synonymous variant.
Genome position (GRCh38, 1-based): chrX:153,694,424, C>T. VCF-style: chrX-153694424-C-T. GRCh37 (hg19) VCF-style: chrX-152959879-C-T.
Other names: p.Cys491=; c.1443C>T, p.Cys481= (NM_001142805.2); c.1128C>T, p.Cys376= (NM_001142806.1).
Identifiers: ClinVar variation 416007 (VCV000416007.56), dbSNP rs122453118, ClinGen allele CA10549526.
Genomic context (GRCh38, chrX:153,694,424, plus strand): 5'-GCTGTTTGACTACTACTCGGCCAGCGGCACCACCCTGCTCTGGCAGGCCTTTTGGGAGTG[C>T]GTGGTGGTGGCCTGGGTGTACGGTAGGTCATGGCTGAGGGCTGGGCTGGGGGATGGTGGC-3'
Protein context (NP_005620.1, residues 481-501): TTLLWQAFWE[Cys491=]VVVAWVYGAD